The following is an entry in ClinVar:

NM_000397.4(CYBB):c.1245del (p.Phe416fs)

Gene: CYBB (cytochrome b-245 beta chain; plus strand). Cytogenetic location: Xp11.4.
Variant type: Deletion.
Coding change: c.1245del on transcript NM_000397.4 (MANE Select); coding-DNA position 1245, one base deleted (C; older notation c.1245delC).
Protein change: p.Phe416fs; shifts the reading frame from phenylalanine 416.
Molecular consequence: frameshift variant.
Genome position (GRCh38, 1-based): chrX:37,805,099, C deleted; the last of 3 consecutive C bases (chrX:37,805,097-37,805,099); deleting any one gives the same sequence. VCF-style (leftmost placement, unchanged base first): chrX-37805096-AC-A. GRCh37 (hg19) VCF-style: chrX-37664349-AC-A.
Other names: short protein forms F416fs.
Identifiers: ClinVar variation 843650 (VCV000843650.10), dbSNP rs1929531349, ClinGen allele CA916081977.
Genomic context (GRCh38, chrX:37,805,096, plus strand): 5'-CAGTGAAGATGTGTTCAGCTATGAGGTGGTGATGTTAGTGGGAGCAGGGATTGGGGTCAC[AC>A]CCTTCGCATCCATTCTCAAGTCAGTCTGGTACAAATATTGCAATAACGCCACCAATCTGA-3'

ClinVar aggregate classification (germline): Pathogenic (1 of 4 stars; one submission).

Conditions:
Granulomatous disease, chronic, X-linked. Also called: CYTOCHROME b-NEGATIVE GRANULOMATOUS DISEASE, CHRONIC, X-LINKED; GRANULOMATOUS DISEASE, CHRONIC, X-LINKED, SOMATIC MOSAIC. Identifiers: Orphanet 379, MedGen C1844376, MONDO:0010600, OMIM 306400.

Submission:

Labcorp Genetics (formerly Invitae), Labcorp
Classification: Pathogenic for Granulomatous disease, chronic, X-linked. Last evaluated: 2019-12-31. Review status: criteria provided, single submitter. Criteria: Invitae Variant Classification Sherloc (09022015). Collection method: clinical testing. Allele origin: germline.
Comment: For these reasons, this variant has been classified as Pathogenic. Loss-of-function variants in CYBB are known to be pathogenic (PMID: 9585602, 20729109). This variant has not been reported in the literature in individuals with CYBB-related conditions. This variant is not present in population databases (ExAC no frequency). This sequence change creates a premature translational stop signal (p.Phe416Serfs*19) in the CYBB gene. It is expected to result in an absent or disrupted protein product.

Literature cited by the submitters: PubMed 9585602; PubMed 20729109.